The following is an entry in ClinVar:

NM_000038.6(APC):c.6183_6186delinsGAAG (p.Glu2061_Lys2062=)

Gene: APC (APC regulator of Wnt signaling pathway; plus strand). Cytogenetic location: 5q22.2.
Variant type: Indel.
Coding change: c.6183_6186delinsGAAG on transcript NM_000038.6 (MANE Select); coding-DNA positions 6183 to 6186, AAAA replaced by GAAG.
Protein change: p.Glu2061_Lys2062=.
Molecular consequence: synonymous variant. On other transcripts: non-coding transcript variant (2).
Genome position (GRCh38, 1-based): chr5:112,841,777-112,841,780, AAAA replaced by GAAG. VCF-style: chr5-112841777-AAAA-GAAG. GRCh37 (hg19) VCF-style: chr5-112177474-AAAA-GAAG.
Other names: c.6183_6186delinsGAAG, p.Glu2061_Lys2062= (NM_001127510.3, NM_001354895.2, NM_001407450.1); c.6129_6132delinsGAAG, p.Glu2043_Lys2044= (NM_001127511.3); c.6237_6240delinsGAAG, p.Glu2079_Lys2080= (NM_001354896.2, NM_001407447.1, NM_001407448.1 and 1 more transcripts); c.6213_6216delinsGAAG, p.Glu2071_Lys2072= (NM_001354897.2); c.6108_6111delinsGAAG, p.Glu2036_Lys2037= (NM_001354898.2); c.6099_6102delinsGAAG, p.Glu2033_Lys2034= (NM_001354899.2); c.6060_6063delinsGAAG, p.Glu2020_Lys2021= (NM_001354900.2); c.6006_6009delinsGAAG, p.Glu2002_Lys2003= (NM_001354901.2, NM_001407453.1); and 11 more.
Identifiers: ClinVar variation 3254230 (VCV003254230.1), dbSNP rs2533696470.

ClinVar aggregate classification (germline): Benign (1 of 4 stars; one submission).

Conditions:
Familial adenomatous polyposis 1 (FAP1). Also called: FAMILIAL ADENOMATOUS POLYPOSIS 1, ATTENUATED; POLYPOSIS, ADENOMATOUS INTESTINAL. Identifiers: MedGen C2713442, MONDO:0021056, OMIM 175100. Disease mechanism: loss of function.

Submission:

Myriad Genetics, Inc.
Classification: Benign for Familial adenomatous polyposis 1. Last evaluated: 2024-04-03. Review status: criteria provided, single submitter. Criteria: Myriad Autosomal Dominant, Autosomal Recessive and X-Linked Classification Criteria (2023). Collection method: clinical testing. Allele origin: unknown.
Comment: This variant is considered benign. This variant is a silent/synonymous amino acid change and it is not expected to impact splicing.